The following is an entry in ClinVar:

ClinVar aggregate classification (germline): Uncertain significance (1 of 4 stars; one submission).

Conditions:
Long QT syndrome (LQTS). Identifiers: MedGen C0023976, MeSH D008133, MONDO:0002442. Disease mechanism: loss of function. Inheritance: Various modes of inheritance.

Submission:

Labcorp Genetics (formerly Invitae), Labcorp
Classification: Uncertain significance for Long QT syndrome. Last evaluated: 2023-10-04. Review status: criteria provided, single submitter. Criteria: Invitae Variant Classification Sherloc (09022015). Collection method: clinical testing. Allele origin: germline.
Comment: This sequence change replaces histidine, which is basic and polar, with glutamine, which is neutral and polar, at codon 509 of the KCNQ1 protein (p.His509Gln). This variant is not present in population databases (gnomAD no frequency). This variant has not been reported in the literature in individuals affected with KCNQ1-related conditions. Advanced modeling of protein sequence and biophysical properties (such as structural, functional, and spatial information, amino acid conservation, physicochemical variation, residue mobility, and thermodynamic stability) performed at Invitae indicates that this missense variant is not expected to disrupt KCNQ1 protein function. In summary, the available evidence is currently insufficient to determine the role of this variant in disease. Therefore, it has been classified as a Variant of Uncertain Significance.

NM_000218.3(KCNQ1):c.1527C>A (p.His509Gln)

Gene: KCNQ1 (potassium voltage-gated channel subfamily Q member 1; plus strand). Cytogenetic location: 11p15.5.
Variant type: single nucleotide variant.
Coding change: c.1527C>A on transcript NM_000218.3 (MANE Select); coding-DNA position 1527, C replaced by A.
Protein change: p.His509Gln; replaces histidine 509 with glutamine.
Molecular consequence: missense variant.
Genome position (GRCh38, 1-based): chr11:2,768,856, C>A. VCF-style: chr11-2768856-C-A. GRCh37 (hg19) VCF-style: chr11-2790086-C-A.
Other names: c.1431C>A, p.His477Gln (NM_001406836.1); c.1257C>A, p.His419Gln (NM_001406837.1); c.987C>A, p.His329Gln (NM_001406838.1); c.1146C>A, p.His382Gln (NM_181798.2); short protein forms H509Q, H382Q, H419Q, H477Q, H329Q.
Identifiers: ClinVar variation 2993040 (VCV002993040.2), dbSNP rs756303877, ClinGen allele CA379138916.